The following is an entry in ClinVar:

ClinVar aggregate classification (germline): Likely benign. Review status: criteria provided, multiple submitters, no conflicts (2 of 4 stars). 2 submissions from 2 submitters: Likely benign (2). Last evaluated 2026-01-14.

Conditions:
Sulfite oxidase deficiency due to molybdenum cofactor deficiency type A. Also called: Molybdenum cofactor deficiency, complementation group A; Molybdenum Cofactor Deficiency A. Identifiers: Orphanet 308386, Orphanet 833, MedGen C1854988, MONDO:0009643, OMIM 252150.

Allele frequency attached by ClinVar (database versions not stated): gnomAD exomes below 0.00001.
gnomAD v4.1: 6 of 1,614,132 alleles (0.00037%); highest among the groups gnomAD compares: Middle Eastern, 0.016%; no homozygotes.

Submissions (2):

Labcorp Genetics (formerly Invitae), Labcorp
Classification: Likely benign for Sulfite oxidase deficiency due to molybdenum cofactor deficiency type A. Last evaluated: 2026-01-14. Review status: criteria provided, single submitter. Criteria: Invitae Variant Classification Sherloc (09022015). Collection method: clinical testing. Allele origin: germline.

CeGaT Center for Human Genetics Tuebingen
Classification: Likely benign. Last evaluated: 2022-06-01. Review status: criteria provided, single submitter. Criteria: CeGaT Center For Human Genetics Tuebingen Variant Classification Criteria Version 2. Collection method: clinical testing. Allele origin: germline. Affected: yes. Observed: 1 variant allele.
Comment: MOCS1: BP4, BP7

NM_001358530.2(MOCS1):c.1590A>C (p.Gly530=)

Gene: MOCS1 (molybdenum cofactor synthesis 1; minus strand). Cytogenetic location: 6p21.2.
Variant type: single nucleotide variant.
Coding change: c.1590A>C on transcript NM_001358530.2 (MANE Select); coding-DNA position 1590, A replaced by C.
Protein change: p.Gly530=; no amino-acid change (glycine 530 retained).
Molecular consequence: synonymous variant. On other transcripts: 3 prime UTR variant (4), non-coding transcript variant (1).
Genome position (GRCh38, 1-based): chr6:39,906,678, T>G on the plus strand (A>C on the coding strand, the complement: MOCS1 is on the minus strand). VCF-style: chr6-39906678-T-G. GRCh37 (hg19) VCF-style: chr6-39874454-T-G.
Other names: c.*447A>C (NM_001075098.4, NM_001358533.2, NM_001358534.2 and 1 more transcripts); c.1542A>C, p.Gly514= (NM_001358529.2); c.1329A>C, p.Gly443= (NM_001358531.2).
Identifiers: ClinVar variation 2656537 (VCV002656537.25), dbSNP rs1181315177, ClinGen allele CA566886841.